The following is an entry in ClinVar:

ClinVar aggregate classification (germline): Likely benign. Review status: criteria provided, multiple submitters, no conflicts (2 of 4 stars). 5 submissions from 5 submitters: Likely benign (5). Last evaluated 2025-06-10.

Conditions:
Familial thoracic aortic aneurysm and aortic dissection (TAAD). Also called: Thoracic aortic aneurysms and dissections. Identifiers: Orphanet 91387, MedGen C4707243, MONDO:0019625.
Marfan syndrome (MFS). Also called: Marfan syndrome type 1; Marfan's syndrome; Marfan syndrome, classic; FBN1-Related Marfan Syndrome; MARFAN SYNDROME, TYPE I. Identifiers: Orphanet 284963, Orphanet 558, MedGen C0024796, MONDO:0007947, OMIM 154700.

Allele frequency attached by ClinVar (database versions not stated): gnomAD exomes below 0.00001; TOPMed below 0.00001.
gnomAD v4.1: 1 of 1,613,932 alleles (0.000062%); highest among the groups gnomAD compares: Non-Finnish European, 0.000085%; no homozygotes.

Submissions (5):

Ambry Genetics
Classification: Likely benign for Familial thoracic aortic aneurysm and aortic dissection. Last evaluated: 2025-06-10. Review status: criteria provided, single submitter. Criteria: Ambry Variant Classification Scheme 2023. Collection method: clinical testing. Allele origin: germline.

Labcorp Genetics (formerly Invitae), Labcorp
Classification: Likely benign for Marfan syndrome; Familial thoracic aortic aneurysm and aortic dissection. Last evaluated: 2023-12-09. Review status: criteria provided, single submitter. Criteria: Invitae Variant Classification Sherloc (09022015). Collection method: clinical testing. Allele origin: germline.

All of Us Research Program, National Institutes of Health
Classification: Likely benign for Marfan syndrome. Last evaluated: 2023-06-26. Review status: criteria provided, single submitter. Criteria: ACMG Guidelines, 2015. Collection method: clinical testing. Allele origin: germline. Inheritance: Autosomal dominant inheritance. Observed: 1 variant allele, 1 heterozygote.
Comment: This study involves interpretation of variants in research participants for the purpose of population health screening. Participant phenotype was not available at the time of variant classification. Additional details can be found in publication PMID: 35346344, PMCID: PMC8962531

Color Diagnostics, LLC DBA Color Health
Classification: Likely benign for Familial thoracic aortic aneurysm and aortic dissection. Last evaluated: 2023-06-13. Review status: criteria provided, single submitter. Criteria: ACMG Guidelines, 2015. Collection method: clinical testing. Allele origin: germline.

CeGaT Center for Human Genetics Tuebingen
Classification: Likely benign. Last evaluated: 2022-03-01. Review status: criteria provided, single submitter. Criteria: CeGaT Center For Human Genetics Tuebingen Variant Classification Criteria Version 2. Collection method: clinical testing. Allele origin: germline. Affected: yes. Observed: 1 variant allele.
Comment: FBN1: PM2:Supporting, BP4, BP7

NM_000138.5(FBN1):c.2544C>T (p.Thr848=)

Gene: FBN1 (fibrillin 1; minus strand). Cytogenetic location: 15q21.1.
Variant type: single nucleotide variant.
Coding change: c.2544C>T on transcript NM_000138.5 (MANE Select); coding-DNA position 2544, C replaced by T.
Protein change: p.Thr848=; no amino-acid change (threonine 848 retained).
Molecular consequence: synonymous variant.
Genome position (GRCh38, 1-based): chr15:48,495,256, G>A on the plus strand (C>T on the coding strand, the complement: FBN1 is on the minus strand). VCF-style: chr15-48495256-G-A. GRCh37 (hg19) VCF-style: chr15-48787453-G-A.
Other names: c.2544C>T (NM_000138.4).
Identifiers: ClinVar variation 1135243 (VCV001135243.43), dbSNP rs2043596539, ClinGen allele CA490022130.